The following is an entry in ClinVar:

NM_022168.4(IFIH1):c.1916C>A (p.Ala639Glu)

Gene: IFIH1 (interferon induced with helicase C domain 1; minus strand). Cytogenetic location: 2q24.2.
Variant type: single nucleotide variant.
Coding change: c.1916C>A on transcript NM_022168.4 (MANE Select); coding-DNA position 1916, C replaced by A.
Protein change: p.Ala639Glu; replaces alanine 639 with glutamic acid.
Molecular consequence: missense variant.
Genome position (GRCh38, 1-based): chr2:162,277,543, G>T on the plus strand (C>A on the coding strand, the complement: IFIH1 is on the minus strand). VCF-style: chr2-162277543-G-T. GRCh37 (hg19) VCF-style: chr2-163134053-G-T.
Other names: short protein forms A639E.
Identifiers: ClinVar variation 2651467 (VCV002651467.24), dbSNP rs2468959360, ClinGen allele CA348999095.

ClinVar aggregate classification (germline): Uncertain significance (1 of 4 stars; one submission).

Submission:

CeGaT Center for Human Genetics Tuebingen
Classification: Uncertain significance. Last evaluated: 2023-04-01. Review status: criteria provided, single submitter. Criteria: CeGaT Center For Human Genetics Tuebingen Variant Classification Criteria Version 2. Collection method: clinical testing. Allele origin: germline. Affected: yes. Observed: 1 variant allele.
Comment: IFIH1: PM2, BP4